The following is an entry in ClinVar:

ClinVar aggregate classification (germline): Pathogenic/Likely pathogenic. Review status: criteria provided, multiple submitters, no conflicts (2 of 4 stars). 13 submissions from 13 submitters: Pathogenic (10); Likely pathogenic (2). 1 of the submissions does not count toward it. Last evaluated 2026-02-02.

Conditions:
Retinitis pigmentosa (RP). Identifiers: Orphanet 791, MedGen C0035334, MeSH D012174, MONDO:0019200, OMIM 268000. Inheritance: Autosomal dominant, autosomal recessive and X linked inheritance.
EYS-related disorder. Also called: EYS-related condition.
Retinitis pigmentosa 25 (RP25). Identifiers: Orphanet 791, MedGen C1864446, MONDO:0011272, OMIM 602772.
Autosomal recessive retinitis pigmentosa. Identifiers: MedGen C0339526.

Allele frequency attached by ClinVar (database versions not stated): gnomAD 0.00002; gnomAD exomes 0.00002 and 0.00001; TOPMed 0.00002; ESP Exome Variant Server 0.00008; ExAC 0.00002.

Submissions (13):

PreventionGenetics, part of Exact Sciences
Classification: Pathogenic for EYS-related condition. Last evaluated: 2026-02-02. Review status: criteria provided, single submitter. Criteria: ACMG Guidelines, 2015. Collection method: clinical testing. Allele origin: germline.
Comment: The EYS c.32dupT variant is predicted to result in a frameshift and premature protein termination (p.Met12Aspfs*14). This variant has been reported to be causative for autosomal recessive retinitis pigmentosa (for example Abu-Safieh et al. 2013. PubMed ID: 23105016; Pierrache et al 2019. PubMed ID: 31074760; Gupta et al. 2022. PubMed ID: 36284670 ). This variant is reported in 0.0018% of alleles in individuals of European (non-Finnish) descent in gnomAD. Frameshift variants in EYS are expected to be pathogenic. This variant is interpreted as pathogenic.

Labcorp Genetics (formerly Invitae), Labcorp
Classification: Pathogenic. Last evaluated: 2025-11-08. Review status: criteria provided, single submitter. Criteria: Invitae Variant Classification Sherloc (09022015). Collection method: clinical testing. Allele origin: germline.
Comment: This sequence change creates a premature translational stop signal (p.Met12Aspfs*14) in the EYS gene. It is expected to result in an absent or disrupted protein product. Loss-of-function variants in EYS are known to be pathogenic (PMID: 18836446, 20333770). This variant is present in population databases (rs779372264, gnomAD 0.002%). This premature translational stop signal has been observed in individuals with retinitis pigmentosa (PMID: 23105016, 23591405, 28704921, 30153090). ClinVar contains an entry for this variant (Variation ID: 866202). For these reasons, this variant has been classified as Pathogenic.

First Genomix Gene Laboratory, Genetic Diagnostics Department
Classification: Pathogenic for Retinitis pigmentosa 25. Last evaluated: 2025-05-21. Review status: criteria provided, single submitter. Criteria: ACMG Guidelines, 2015. Collection method: clinical testing. Allele origin: germline. Inheritance: Autosomal recessive inheritance. Affected: no. Observed: 1 variant allele.

Natera, Inc.
Classification: Pathogenic for Retinitis pigmentosa type 25. Last evaluated: 2025-05-20. Review status: criteria provided, single submitter. Criteria: Natera Variant Classification Schema (03/2026). Collection method: clinical testing. Allele origin: germline.
Comment: The c.32dupT variant in EYS is a frameshift variant predicted to shift the reading frame beginning at codon 12 and leads to a stop codon 14 codons downstream. This variant is expected to result in nonsense mediated decay, truncation, or a dysfunctional protein product. This variant is rare in the general population with a frequency below the threshold expected for the associated phenotype(s). This variant has been observed in one or more individuals affected with the associated recessive disease, as either homozygous or compound heterozygous with a second variant (PMID: 30153090). Given the available evidence, this variant is classified as Pathogenic.

GeneDx
Classification: Pathogenic. Last evaluated: 2025-05-07. Review status: criteria provided, single submitter. Criteria: GeneDx Variant Classification Process June 2021. Collection method: clinical testing. Allele origin: germline. Affected: yes.
Comment: Frameshift variant predicted to result in protein truncation or nonsense mediated decay in a gene for which loss of function is a known mechanism of disease; Not observed at significant frequency in large population cohorts (gnomAD); This variant is associated with the following publications: (PMID: 32531858, 23105016, 28704921, 31074760, 37644014, 31964843, 36460718, 33576794, 36284670, 37446072, 38927702, 38841332, 30153090, 34906470, 23591405, 36362148)

Revvity Omics, Revvity
Classification: Pathogenic for Retinitis pigmentosa 25. Last evaluated: 2025-01-06. Review status: criteria provided, single submitter. Criteria: ACMG Guidelines, 2015. Collection method: clinical testing. Allele origin: germline.

Blueprint Genetics
Classification: Pathogenic for EYS-related disorders. Last evaluated: 2024-11-06. Review status: criteria provided, single submitter. Criteria: ACMG Guidelines, 2015. Collection method: clinical testing. Allele origin: germline. Affected: yes. Observed: 5 variant alleles.

Lab De Baere, Eye and Developmental Genetics Lab, Ghent University
Classification: Pathogenic for Retinitis pigmentosa. Last evaluated: 2024-10-01. Review status: criteria provided, single submitter. Criteria: ACMG Guidelines, 2015. Collection method: research. Allele origin: inherited. Affected: yes. Observed: 2 variant alleles.
Comment: ACMG/AMP guidelines: PM2, PVS1_PS2, PM1, PM3_1

Fulgent Genetics
Classification: Pathogenic for Retinitis pigmentosa 25. Last evaluated: 2024-06-11. Review status: criteria provided, single submitter. Criteria: ACMG Guidelines, 2015. Collection method: clinical testing. Allele origin: germline.

MGZ Medical Genetics Center
Classification: Likely pathogenic for Retinitis pigmentosa 25. Last evaluated: 2021-10-06. Review status: criteria provided, single submitter. Criteria: ACMG Guidelines, 2015. Collection method: clinical testing. Allele origin: germline. Affected: yes. Observed: 1 variant allele.
Comment: ACMG criteria applied: PVS1, PM2_SUP

Broad Center for Mendelian Genomics, Broad Institute of MIT and Harvard
Classification: Likely pathogenic for Retinitis pigmentosa. Last evaluated: 2021-04-01. Review status: criteria provided, single submitter. Criteria: ACMG Guidelines, 2015. Collection method: curation. Allele origin: germline. Inheritance: Autosomal recessive inheritance. Affected: yes.
Comment: Through a review of available evidence we were able to apply the following criteria: PVS1, PM2. Based on this evidence we have classified this variant as Likely Pathogenic. If you have any questions about the classification please reach out to the Pierce Lab.

CeGaT Center for Human Genetics Tuebingen
Classification: Pathogenic. Last evaluated: 2019-05-01. Review status: criteria provided, single submitter. Criteria: CeGaT Center For Human Genetics Tuebingen Variant Classification Criteria Version 2. Collection method: clinical testing. Allele origin: germline. Affected: yes. Observed: 1 variant allele.

Faculty of Health Sciences, Beirut Arab University
Classification: Pathogenic for Autosomal recessive Retinitis Pigmentosa. Last evaluated: 2012-10-26. Review status: no assertion criteria provided. Collection method: literature only. Allele origin: germline. Affected: yes. Observed: 5 variant alleles. Not counted in ClinVar's aggregate classification.

Literature cited by the submitters: PubMed 18836446 (cited by Labcorp Genetics (formerly Invitae), Labcorp); PubMed 20333770 (cited by Labcorp Genetics (formerly Invitae), Labcorp); PubMed 23105016 (cited by 3 submitters); PubMed 23591405 (cited by Labcorp Genetics (formerly Invitae), Labcorp); PubMed 28704921 (cited by Labcorp Genetics (formerly Invitae), Labcorp); PubMed 30153090 (cited by Labcorp Genetics (formerly Invitae), Labcorp and Natera, Inc.); PubMed 34906470 (cited by Broad Center for Mendelian Genomics, Broad Institute of MIT and Harvard); PubMed 31074760 (cited by Broad Center for Mendelian Genomics, Broad Institute of MIT and Harvard).

NM_001142800.2(EYS):c.32dup (p.Met12fs)

Gene: EYS (EGF-like photoreceptor maintenance factor; minus strand). Cytogenetic location: 6q12.
Variant type: Duplication.
Coding change: c.32dup on transcript NM_001142800.2 (MANE Select); coding-DNA position 32, one base duplicated (T; older notation c.32dupT).
Protein change: p.Met12fs; shifts the reading frame from methionine 12.
Molecular consequence: frameshift variant.
Genome position (GRCh38, 1-based): chr6:65,495,379, A duplicated on the plus strand (T on the coding strand, the reverse complement: EYS is on the minus strand). VCF-style (leftmost placement, unchanged base first): chr6-65495378-C-CA. GRCh37 (hg19) VCF-style: chr6-66205271-C-CA.
Other names: c.32dupT (NM_001142800.1, NM_001142800.2); c.32dup, p.Met12fs (NM_001142801.2, NM_001292009.2, NM_198283.2); short protein forms M12fs.
Identifiers: ClinVar variation 866202 (VCV000866202.63), dbSNP rs779372264, ClinGen allele CA3878145.